The following is an entry in ClinVar:

ClinVar aggregate classification (germline): Pathogenic (1 of 4 stars; one submission).

Submission:

Labcorp Genetics (formerly Invitae), Labcorp
Classification: Pathogenic. Last evaluated: 2020-12-02. Review status: criteria provided, single submitter. Criteria: Invitae Variant Classification Sherloc (09022015). Collection method: clinical testing. Allele origin: germline.
Comment: This variant has not been reported in the literature in individuals with SLC12A6-related conditions. For these reasons, this variant has been classified as Pathogenic. This variant is not present in population databases (ExAC no frequency). This sequence change creates a premature translational stop signal (p.Cys541Tyrfs*2) in the SLC12A6 gene. It is expected to result in an absent or disrupted protein product. Loss-of-function variants in SLC12A6 are known to be pathogenic (PMID: 12368912, 16606917).

Literature cited by the submitters: PubMed 12368912; PubMed 16606917.

NM_001365088.1(SLC12A6):c.1620_1621del (p.Cys541fs)

Gene: SLC12A6 (solute carrier family 12 member 6; minus strand). Cytogenetic location: 15q14.
Variant type: Deletion.
Coding change: c.1620_1621del on transcript NM_001365088.1 (MANE Select); coding-DNA positions 1620 to 1621, 2 bases deleted (AT; older notation c.1620_1621delAT).
Protein change: p.Cys541fs; shifts the reading frame from cysteine 541.
Molecular consequence: frameshift variant.
Genome position (GRCh38, 1-based): chr15:34,250,326-34,250,327, AT deleted on the plus strand (AT on the coding strand, the reverse complement: SLC12A6 is on the minus strand). VCF-style (leftmost placement, unchanged base first): chr15-34250325-CAT-C. GRCh37 (hg19) VCF-style: chr15-34542526-CAT-C.
Other names: c.1443_1444del, p.Cys482fs (NM_001042494.2, NM_001042495.2); c.1593_1594del, p.Cys532fs (NM_001042496.2); c.1575_1576del, p.Cys526fs (NM_001042497.2); c.1467_1468del, p.Cys490fs (NM_005135.2); c.1620_1621del, p.Cys541fs (NM_133647.2); short protein forms C490fs, C482fs, C532fs, C541fs, C526fs.
Identifiers: ClinVar variation 1368157 (VCV001368157.6), dbSNP rs2140724680, ClinGen allele CA2573150609.